The following is an entry in ClinVar:

NM_000540.3(RYR1):c.13660-1_13660del

Gene: RYR1 (ryanodine receptor 1; plus strand). Cytogenetic location: 19q13.2.
Variant type: Deletion.
Coding change: c.13660-1_13660del on transcript NM_000540.3 (MANE Select); the canonical splice acceptor site of the intron before coding-DNA position 13660 through coding-DNA position 13660, 2 bases deleted (GA; older notation c.13660-1_13660delGA).
Molecular consequence: splice acceptor variant.
Genome position (GRCh38, 1-based): chr19:38,570,606-38,570,607, GA deleted; deleting any 2 consecutive bases within chr19:38,570,605-38,570,607 gives the same sequence; the c. name uses the placement nearest the transcript's 3' end. VCF-style (leftmost placement, unchanged base first): chr19-38570604-CAG-C. GRCh37 (hg19) VCF-style: chr19-39061244-CAG-C.
Other names: c.13645-1_13645del (NM_001042723.2).
Identifiers: ClinVar variation 2413535 (VCV002413535.6), dbSNP rs1228971728, ClinGen allele CA882061838.

ClinVar aggregate classification (germline): Likely pathogenic (1 of 4 stars; one submission).

Conditions:
RYR1-related disorder. Also called: RYR1-related condition; RYR1-related disorders. Identifiers: MedGen CN239331.

Submission:

Labcorp Genetics (formerly Invitae), Labcorp
Classification: Likely pathogenic for RYR1-related disorder. Last evaluated: 2023-08-04. Review status: criteria provided, single submitter. Criteria: Invitae Variant Classification Sherloc (09022015). Collection method: clinical testing. Allele origin: germline.
Comment: This variant results in the deletion of part of exon 94 (c.13660-1_13660del) of the RYR1 gene. It is expected to disrupt RNA splicing. Variants that disrupt the donor or acceptor splice site typically lead to a loss of protein function (PMID: 16199547), and loss-of-function variants in RYR1 are known to be pathogenic (PMID: 23919265, 25960145, 28818389, 30611313). This variant is not present in population databases (gnomAD no frequency). This variant has not been reported in the literature in individuals affected with RYR1-related conditions. ClinVar contains an entry for this variant (Variation ID: 2413535). Algorithms developed to predict the effect of sequence changes on RNA splicing suggest that this variant may disrupt the consensus splice site. In summary, the currently available evidence indicates that the variant is pathogenic, but additional data are needed to prove that conclusively. Therefore, this variant has been classified as Likely Pathogenic.

Literature cited by the submitters: PubMed 16199547; PubMed 23919265; PubMed 25960145; PubMed 28818389; PubMed 30611313.